The following is an entry in ClinVar:

NM_020822.3(KCNT1):c.419C>T (p.Ala140Val)

Gene: KCNT1 (potassium sodium-activated channel subfamily T member 1; plus strand). Cytogenetic location: 9q34.3.
Variant type: single nucleotide variant.
Coding change: c.419C>T on transcript NM_020822.3 (MANE Select); coding-DNA position 419, C replaced by T.
Protein change: p.Ala140Val; replaces alanine 140 with valine.
Molecular consequence: missense variant.
Genome position (GRCh38, 1-based): chr9:135,751,026, C>T. VCF-style: chr9-135751026-C-T. GRCh37 (hg19) VCF-style: chr9-138642872-C-T.
Other names: c.275C>T, p.Ala92Val (NM_001272003.2); short protein forms A92V, A140V.
Identifiers: ClinVar variation 1380365 (VCV001380365.6), dbSNP rs2131411420, ClinGen allele CA375495090.

ClinVar aggregate classification (germline): Uncertain significance (1 of 4 stars; one submission).

Conditions:
Autosomal dominant nocturnal frontal lobe epilepsy 5. Also called: CILIARY DYSKINESIA, PRIMARY, 28, WITH SITUS INVERSUS; KCNT1-Related Epilepsy; CILIARY DYSKINESIA, PRIMARY, 28, WITHOUT SITUS INVERSUS; Epilepsy, nocturnal frontal lobe, 5. Identifiers: Orphanet 98784, MedGen C3554306, MONDO:0014002, OMIM 615005.
Developmental and epileptic encephalopathy, 14 (DEE14). Also called: Early infantile epileptic encephalopathy 14. Identifiers: Orphanet 293181, MedGen C3554195, MONDO:0013989, OMIM 614959.

Submission:

Labcorp Genetics (formerly Invitae), Labcorp
Classification: Uncertain significance for Autosomal dominant nocturnal frontal lobe epilepsy 5; Developmental and epileptic encephalopathy, 14. Last evaluated: 2021-09-09. Review status: criteria provided, single submitter. Criteria: Invitae Variant Classification Sherloc (09022015). Collection method: clinical testing. Allele origin: germline.
Comment: This sequence change replaces alanine with valine at codon 140 of the KCNT1 protein (p.Ala140Val). The alanine residue is weakly conserved and there is a small physicochemical difference between alanine and valine. This variant is not present in population databases (ExAC no frequency). This variant has not been reported in the literature in individuals affected with KCNT1-related conditions. Advanced modeling of protein sequence and biophysical properties (such as structural, functional, and spatial information, amino acid conservation, physicochemical variation, residue mobility, and thermodynamic stability) performed at Invitae indicates that this missense variant is not expected to disrupt KCNT1 protein function. In summary, the available evidence is currently insufficient to determine the role of this variant in disease. Therefore, it has been classified as a Variant of Uncertain Significance.